The following is an entry in ClinVar:

ClinVar aggregate classification (germline): Likely benign (1 of 4 stars; one submission).

Submission:

CeGaT Center for Human Genetics Tuebingen
Classification: Likely benign. Last evaluated: 2024-03-01. Review status: criteria provided, single submitter. Criteria: CeGaT Center For Human Genetics Tuebingen Variant Classification Criteria Version 2. Collection method: clinical testing. Allele origin: germline. Affected: yes. Observed: 1 variant allele.
Comment: SOBP: BP4, BP7

NM_018013.4(SOBP):c.1389G>C (p.Pro463=)

Gene: SOBP (sine oculis binding protein homolog; plus strand). Cytogenetic location: 6q21.
Variant type: single nucleotide variant.
Coding change: c.1389G>C on transcript NM_018013.4 (MANE Select); coding-DNA position 1389, G replaced by C.
Protein change: p.Pro463=; no amino-acid change (proline 463 retained).
Molecular consequence: synonymous variant.
Genome position (GRCh38, 1-based): chr6:107,634,233, G>C. VCF-style: chr6-107634233-G-C. GRCh37 (hg19) VCF-style: chr6-107955437-G-C.
Identifiers: ClinVar variation 3067282 (VCV003067282.21), dbSNP rs377021315, ClinGen allele CA451581290.
Genomic context (GRCh38, chr6:107,634,233, plus strand): 5'-CCTGGGCCCCACTTCCAGCCCCATGCACCGGCCCATGCTATCGCCCCACATCCACCCCCC[G>C]AGCACCCCCACCATGCCCGGGAACCCCCCAGGCCTGCTGCCCCCGCCGCCTCCGGGCGCC-3'
Protein context (NP_060483.3, residues 453-473): RPMLSPHIHP[Pro463=]STPTMPGNPP